The following is an entry in ClinVar:

NM_006079.5(CITED2):c.479A>T (p.His160Leu)

Gene: CITED2 (Cbp/p300 interacting transactivator with ED-rich tail 2; minus strand). Cytogenetic location: 6q24.1.
Variant type: single nucleotide variant.
Coding change: c.479A>T on transcript NM_006079.5 (MANE Select); coding-DNA position 479, A replaced by T.
Protein change: p.His160Leu; replaces histidine 160 with leucine.
Molecular consequence: missense variant.
Genome position (GRCh38, 1-based): chr6:139,373,466, T>A on the plus strand (A>T on the coding strand, the complement: CITED2 is on the minus strand). VCF-style: chr6-139373466-T-A. GRCh37 (hg19) VCF-style: chr6-139694603-T-A.
Other names: c.479A>T, p.His160Leu (NM_001168388.3); c.494A>T, p.His165Leu (NM_001168389.3); c.494A>T (NM_001168389.2); short protein forms H160L, H165L.
Identifiers: ClinVar variation 560611 (VCV000560611.15), dbSNP rs111814036, ClinGen allele CA4025615.

ClinVar aggregate classification (germline): Benign/Likely benign. Review status: criteria provided, multiple submitters, no conflicts (2 of 4 stars). 4 submissions from 4 submitters: Benign (1); Likely benign (1). 2 of the submissions do not count toward it. Last evaluated 2026-03-01.

Conditions:
CITED2-related disorder. Also called: CITED2-related condition.

Allele frequency attached by ClinVar (database versions not stated): 1000 Genomes Project 30x 0.00047; 1000 Genomes Project 0.00060; TOPMed 0.00172; ESP Exome Variant Server 0.00208; gnomAD 0.00211.

Submissions (4):

CeGaT Center for Human Genetics Tuebingen
Classification: Benign. Last evaluated: 2026-03-01. Review status: criteria provided, single submitter. Criteria: CeGaT Center For Human Genetics Tuebingen Variant Classification Criteria Version 2. Collection method: clinical testing. Allele origin: germline. Affected: yes. Observed: 2 variant alleles.
Comment: CITED2: BS1, BS2

Labcorp Genetics (formerly Invitae), Labcorp
Classification: Likely benign. Last evaluated: 2019-12-31. Review status: criteria provided, single submitter. Criteria: Invitae Variant Classification Sherloc (09022015). Collection method: clinical testing. Allele origin: germline.

PreventionGenetics, part of Exact Sciences
Classification: Likely benign for CITED2-related condition. Last evaluated: 2022-02-15. Review status: no assertion criteria provided. Collection method: clinical testing. Allele origin: germline. Not counted in ClinVar's aggregate classification.
Comment: This variant is classified as likely benign based on ACMG/AMP sequence variant interpretation guidelines (Richards et al. 2015 PMID: 25741868, with internal and published modifications).

Clinical Molecular Genetics Laboratory, Johns Hopkins All Children's Hospital
Classification: Uncertain significance. Last evaluated: 2017-08-01. Review status: no assertion criteria provided. Collection method: clinical testing. Allele origin: germline. Not counted in ClinVar's aggregate classification.